The following is an entry in ClinVar:

NM_000268.4(NF2):c.1063del (p.Glu355fs)

Gene: NF2 (NF2, moesin-ezrin-radixin like (MERLIN) tumor suppressor; plus strand). Cytogenetic location: 22q12.2.
Variant type: Deletion.
Coding change: c.1063del on transcript NM_000268.4 (MANE Select); coding-DNA position 1063, one base deleted (G; older notation c.1063delG).
Protein change: p.Glu355fs; shifts the reading frame from glutamic acid 355.
Molecular consequence: frameshift variant. On other transcripts: intron variant (1).
Genome position (GRCh38, 1-based): chr22:29,671,889, G deleted. VCF-style (leftmost placement, unchanged base first): chr22-29671888-TG-T. GRCh37 (hg19) VCF-style: chr22-30067877-TG-T.
Other names: c.949del, p.Glu317fs (NM_001407053.1, NM_001407056.1); c.940del, p.Glu314fs (NM_001407054.1, NM_001407058.1, NM_181829.3); c.937del, p.Glu313fs (NM_001407055.1, NM_181828.3); c.928del, p.Glu310fs (NM_001407057.1, NM_001407059.1); c.1063del, p.Glu355fs (NM_001407060.1, NM_001407066.1, NM_016418.5 and 2 more transcripts); c.805del, p.Glu269fs (NM_001407062.1); c.814del, p.Glu272fs (NM_001407063.1, NM_001407064.1, NM_181830.3 and 1 more transcripts); c.529del, p.Glu177fs (NM_001407065.1); and 2 more; short protein forms E269fs, E310fs, E313fs, E317fs, E355fs, E177fs, E272fs, E278fs.
Identifiers: ClinVar variation 4717230 (VCV004717230.1).

ClinVar aggregate classification (germline): Pathogenic (1 of 4 stars; one submission).

Conditions:
Neurofibromatosis, type 2 (SWNV). Also called: BILATERAL ACOUSTIC NEUROFIBROMATOSIS; NF2-Related Schwannomatosis; SCHWANNOMATOSIS, VESTIBULAR. Identifiers: Orphanet 637, MedGen C0027832, MONDO:0007039, OMIM 101000. Disease mechanism: loss of function.

Submission:

Labcorp Genetics (formerly Invitae), Labcorp
Classification: Pathogenic for Neurofibromatosis, type 2. Last evaluated: 2025-04-17. Review status: criteria provided, single submitter. Criteria: Invitae Variant Classification Sherloc (09022015). Collection method: clinical testing. Allele origin: germline.
Comment: This sequence change creates a premature translational stop signal (p.Glu355Serfs*9) in the NF2 gene. It is expected to result in an absent or disrupted protein product. Loss-of-function variants in NF2 are known to be pathogenic (PMID: 9643284, 16983642). This variant is not present in population databases (gnomAD no frequency). This variant has not been reported in the literature in individuals affected with NF2-related conditions. For these reasons, this variant has been classified as Pathogenic.

Literature cited by the submitters: PubMed 9643284; PubMed 16983642.